The following is an entry in ClinVar:

ClinVar aggregate classification (germline): Uncertain significance (1 of 4 stars; one submission).

Allele frequency attached by ClinVar (database versions not stated): gnomAD 0.00003; gnomAD exomes 0.00003 and 0.00004; ExAC 0.00004.
gnomAD v4.1: 21 of 1,613,954 alleles (0.0013%); highest among the groups gnomAD compares: Admixed American, 0.02%; no homozygotes.

Submission:

Labcorp Genetics (formerly Invitae), Labcorp
Classification: Uncertain significance. Last evaluated: 2026-01-05. Review status: criteria provided, single submitter. Criteria: Invitae Variant Classification Sherloc (09022015). Collection method: clinical testing. Allele origin: germline.
Comment: This sequence change replaces isoleucine, which is neutral and non-polar, with threonine, which is neutral and polar, at codon 1056 of the HSPG2 protein (p.Ile1056Thr). This variant is present in population databases (rs776352688, gnomAD 0.03%). This variant has not been reported in the literature in individuals affected with HSPG2-related conditions. ClinVar contains an entry for this variant (Variation ID: 1476620). An algorithm developed to predict the effect of missense changes on protein structure and function outputs the following: PolyPhen-2: "Benign". The threonine amino acid residue is found in multiple mammalian species, which suggests that this missense change does not adversely affect protein function. In summary, the available evidence is currently insufficient to determine the role of this variant in disease. Therefore, it has been classified as a Variant of Uncertain Significance.

NM_005529.7(HSPG2):c.3167T>C (p.Ile1056Thr)

Gene: HSPG2 (heparan sulfate proteoglycan 2; minus strand). Cytogenetic location: 1p36.12.
Variant type: single nucleotide variant.
Coding change: c.3167T>C on transcript NM_005529.7 (MANE Select); coding-DNA position 3167, T replaced by C.
Protein change: p.Ile1056Thr; replaces isoleucine 1056 with threonine.
Molecular consequence: missense variant.
Genome position (GRCh38, 1-based): chr1:21,875,879, A>G on the plus strand (T>C on the coding strand, the complement: HSPG2 is on the minus strand). VCF-style: chr1-21875879-A-G. GRCh37 (hg19) VCF-style: chr1-22202372-A-G.
Other names: c.3170T>C, p.Ile1057Thr (NM_001291860.2); short protein forms I1056T, I1057T.
Identifiers: ClinVar variation 1476620 (VCV001476620.6), dbSNP rs776352688, ClinGen allele CA672755.